The following is an entry in ClinVar:

NM_004608.4(TBX6):c.875G>T (p.Gly292Val)

Gene: TBX6 (T-box transcription factor 6; minus strand). Cytogenetic location: 16p11.2.
Variant type: single nucleotide variant.
Coding change: c.875G>T on transcript NM_004608.4 (MANE Select); coding-DNA position 875, G replaced by T.
Protein change: p.Gly292Val; replaces glycine 292 with valine.
Molecular consequence: missense variant.
Genome position (GRCh38, 1-based): chr16:30,086,816, C>A on the plus strand (G>T on the coding strand, the complement: TBX6 is on the minus strand). VCF-style: chr16-30086816-C-A. GRCh37 (hg19) VCF-style: chr16-30098137-C-A.
Other names: short protein forms G292V.
Identifiers: ClinVar variation 2746820 (VCV002746820.3), dbSNP rs1358369924, ClinGen allele CA395514594.

ClinVar aggregate classification (germline): Uncertain significance (1 of 4 stars; one submission).

Allele frequency attached by ClinVar (database versions not stated): gnomAD exomes below 0.00001.
gnomAD v4.1: 2 of 1,613,626 alleles (0.00012%); highest among the groups gnomAD compares: Non-Finnish European, 0.00017%; no homozygotes.

Submission:

Labcorp Genetics (formerly Invitae), Labcorp
Classification: Uncertain significance. Last evaluated: 2023-07-25. Review status: criteria provided, single submitter. Criteria: Invitae Variant Classification Sherloc (09022015). Collection method: clinical testing. Allele origin: germline.
Comment: This variant is present in population databases (no rsID available, gnomAD 0.03%). This variant has not been reported in the literature in individuals affected with TBX6-related conditions. Advanced modeling of protein sequence and biophysical properties (such as structural, functional, and spatial information, amino acid conservation, physicochemical variation, residue mobility, and thermodynamic stability) performed at Invitae indicates that this missense variant is not expected to disrupt TBX6 protein function. In summary, the available evidence is currently insufficient to determine the role of this variant in disease. Therefore, it has been classified as a Variant of Uncertain Significance. This sequence change replaces glycine, which is neutral and non-polar, with valine, which is neutral and non-polar, at codon 292 of the TBX6 protein (p.Gly292Val).